The following is an entry in ClinVar:

NM_014053.4(FLVCR1):c.1093-12_1095del

Gene: FLVCR1 (FLVCR choline and heme transporter 1; plus strand). Cytogenetic location: 1q32.3.
Variant type: Deletion.
Coding change: c.1093-12_1095del on transcript NM_014053.4 (MANE Select); 12 bases into the intron before coding-DNA position 1093 through coding-DNA position 1095, 15 bases deleted (AATTTTTTTCAGGGA).
Molecular consequence: splice acceptor variant.
Genome position (GRCh38, 1-based): chr1:212,885,281-212,885,295, AATTTTTTTCAGGGA deleted; deleting any 15 consecutive bases within chr1:212,885,280-212,885,295 gives the same sequence; the c. name uses the placement nearest the transcript's 3' end. VCF-style (leftmost placement, unchanged base first): chr1-212885279-CAAATTTTTTTCAGGG-C. GRCh37 (hg19) VCF-style: chr1-213058621-CAAATTTTTTTCAGGG-C.
Identifiers: ClinVar variation 1067221 (VCV001067221.8), dbSNP rs2102565547, ClinGen allele CA2499214431.

ClinVar aggregate classification (germline): Likely pathogenic (1 of 4 stars; one submission).

Submission:

Labcorp Genetics (formerly Invitae), Labcorp
Classification: Likely pathogenic. Last evaluated: 2022-10-18. Review status: criteria provided, single submitter. Criteria: Invitae Variant Classification Sherloc (09022015). Collection method: clinical testing. Allele origin: germline.
Comment: In summary, the currently available evidence indicates that the variant is pathogenic, but additional data are needed to prove that conclusively. Therefore, this variant has been classified as Likely Pathogenic. Algorithms developed to predict the effect of sequence changes on RNA splicing suggest that this variant may disrupt the consensus splice site. ClinVar contains an entry for this variant (Variation ID: 1067221). This variant has not been reported in the literature in individuals affected with FLVCR1-related conditions. This variant is not present in population databases (gnomAD no frequency). This variant results in the deletion of part of exon 5 (c.1093-12_1095del) of the FLVCR1 gene. It is expected to disrupt RNA splicing. Variants that disrupt the donor or acceptor splice site typically lead to a loss of protein function (PMID: 16199547), and loss-of-function variants in FLVCR1 are known to be pathogenic (PMID: 23591405, 27923065).

Literature cited by the submitters: PubMed 16199547; PubMed 23591405; PubMed 27923065.